The following is an entry in ClinVar:

NM_015631.6(TCTN3):c.191C>T (p.Pro64Leu)

Genes: TCTN3 (tectonic family member 3; minus strand), LOC130004408 (ATAC-STARR-seq lymphoblastoid active region 3801; plus strand). Cytogenetic location: 10q24.1.
Variant type: single nucleotide variant.
Coding change: c.191C>T on transcript NM_015631.6 (MANE Select); coding-DNA position 191, C replaced by T.
Protein change: p.Pro64Leu; replaces proline 64 with leucine.
Molecular consequence: missense variant.
Genome position (GRCh38, 1-based): chr10:95,693,709, G>A on the plus strand (C>T on the coding strand, the complement: TCTN3 is on the minus strand). VCF-style: chr10-95693709-G-A. GRCh37 (hg19) VCF-style: chr10-97453466-G-A.
Other names: c.245C>T, p.Pro82Leu (NM_001013840.1); c.191C>T, p.Pro64Leu (NM_001143973.2, NM_001410982.1); short protein forms P82L, P64L.
Identifiers: ClinVar variation 2118493 (VCV002118493.4), dbSNP rs2492794421, ClinGen allele CA377713315.

ClinVar aggregate classification (germline): Uncertain significance (1 of 4 stars; one submission).

Conditions:
Joubert syndrome 18 (JBTS18). Identifiers: Orphanet 2754, MedGen C3553758, MONDO:0013896, OMIM 614815.
Orofacial-digital syndrome IV (OFD4). Also called: BARAITSER-BURN SYNDROME; OFD SYNDROME WITH TIBIAL DEFECTS; OFD SYNDROME, BARAITSER-BURN TYPE; OFDS IV; ORAL-FACIAL-DIGITAL SYNDROME, TYPE IV; Orofaciodigital syndrome IV. Identifiers: Orphanet 2753, MedGen C0406727, MONDO:0009794, OMIM 258860.

gnomAD v4.1: 1 of 1,551,720 alleles (0.000064%); highest among the groups gnomAD compares: Non-Finnish European, 0.000087%; no homozygotes.

Submission:

Labcorp Genetics (formerly Invitae), Labcorp
Classification: Uncertain significance for Joubert syndrome 18; Orofacial-digital syndrome IV. Last evaluated: 2025-03-17. Review status: criteria provided, single submitter. Criteria: Invitae Variant Classification Sherloc (09022015). Collection method: clinical testing. Allele origin: germline.
Comment: This sequence change replaces proline, which is neutral and non-polar, with leucine, which is neutral and non-polar, at codon 64 of the TCTN3 protein (p.Pro64Leu). This variant is not present in population databases (gnomAD no frequency). This variant has not been reported in the literature in individuals affected with TCTN3-related conditions. ClinVar contains an entry for this variant (Variation ID: 2118493). Invitae Evidence Modeling of protein sequence and biophysical properties (such as structural, functional, and spatial information, amino acid conservation, physicochemical variation, residue mobility, and thermodynamic stability) indicates that this missense variant is not expected to disrupt TCTN3 protein function with a negative predictive value of 80%. In summary, the available evidence is currently insufficient to determine the role of this variant in disease. Therefore, it has been classified as a Variant of Uncertain Significance.